The following is an entry in ClinVar:

NM_005540.3(INPP5B):c.220C>T (p.Pro74Ser)

Gene: INPP5B (inositol polyphosphate-5-phosphatase B; minus strand). Cytogenetic location: 1p34.3.
Variant type: single nucleotide variant.
Coding change: c.220C>T on transcript NM_005540.3 (MANE Select); coding-DNA position 220, C replaced by T.
Protein change: p.Pro74Ser; replaces proline 74 with serine.
Molecular consequence: missense variant. On other transcripts: 5 prime UTR variant (2), non-coding transcript variant (3), intron variant (2).
Genome position (GRCh38, 1-based): chr1:37,943,826, G>A on the plus strand (C>T on the coding strand, the complement: INPP5B is on the minus strand). VCF-style: chr1-37943826-G-A. GRCh37 (hg19) VCF-style: chr1-38409498-G-A.
Other names: c.220C>T, p.Pro74Ser (NM_001365820.1, NM_001365821.1); c.-155C>T (NM_001365823.1); c.-158C>T (NM_001365824.1); c.-107-157C>T (NM_001365825.1); c.185-157C>T (NM_001365822.1); short protein forms P74S.
Identifiers: ClinVar variation 3349660 (VCV003349660.1).
Genomic context (GRCh38, chr1:37,943,826, plus strand): 5'-GGATTCATACCACCCAGCCCCCTGTGGCACCTTCTTCCAGCGTAAAATCCCGCGAGACTG[G>A]CACTATCTGGTCCAGAGAGACATCGTCCCCGGTAATGGCCATCCTCCGGTGCGTATAGAG-3'
Protein context (NP_005531.2, residues 64-84): GDDVSLDQIV[Pro74Ser]VSRDFTLEEV

ClinVar aggregate classification (germline): Uncertain significance (0 of 4 stars; one submission).

Conditions:
INPP5B-related disorder. Also called: INPP5B-related condition.

Submission:

PreventionGenetics, part of Exact Sciences
Classification: Uncertain significance for INPP5B-related condition. Last evaluated: 2024-03-11. Review status: no assertion criteria provided. Collection method: clinical testing. Allele origin: germline.
Comment: The INPP5B c.220C>T variant is predicted to result in the amino acid substitution p.Pro74Ser. To our knowledge, this variant has not been reported in the literature. This variant is reported in 0.0018% of alleles in individuals of European (Non-Finnish) descent in gnomAD. At this time, the clinical significance of this variant is uncertain due to the absence of conclusive functional and genetic evidence.